The following is an entry in ClinVar:

NM_015311.3(OBSL1):c.4609+12G>A

Gene: OBSL1 (obscurin like cytoskeletal adaptor 1; minus strand). Cytogenetic location: 2q35.
Variant type: single nucleotide variant.
Coding change: c.4609+12G>A on transcript NM_015311.3 (MANE Select); 12 bases into the intron after coding-DNA position 4609, G replaced by A.
Molecular consequence: intron variant. On other transcripts: missense variant (1).
Genome position (GRCh38, 1-based): chr2:219,556,008, C>T on the plus strand (G>A on the coding strand, the complement: OBSL1 is on the minus strand). VCF-style: chr2-219556008-C-T. GRCh37 (hg19) VCF-style: chr2-220420730-C-T.
Other names: c.4621G>A, p.Val1541Ile (NM_001173431.2); short protein forms V1541I.
Identifiers: ClinVar variation 895986 (VCV000895986.13), dbSNP rs367810594, ClinGen allele CA2130494.

ClinVar aggregate classification (germline): Conflicting classifications of pathogenicity. Review status: criteria provided, conflicting classifications (1 of 4 stars). 4 submissions from 4 submitters: Uncertain significance (3); Likely benign (1). Last evaluated 2024-11-25.

Conditions:
3M syndrome 2. Also called: 3-M Syndrome, OBSL1-Related; THREE M SYNDROME 2. Identifiers: Orphanet 2616, MedGen C2752041, MONDO:0013039, OMIM 612921.

Allele frequency attached by ClinVar (database versions not stated): gnomAD exomes 0.00004; gnomAD 0.00006; TOPMed 0.00007; ExAC 0.00008; ESP Exome Variant Server 0.00008; 1000 Genomes Project 30x 0.00016.
gnomAD v4.1: 45 of 1,612,576 alleles (0.0028%); highest among the groups gnomAD compares: Middle Eastern, 0.033%; no homozygotes.

Submissions (4):

Blueprint Genetics
Classification: Uncertain significance. Last evaluated: 2024-11-25. Review status: criteria provided, single submitter. Criteria: ACMG Guidelines, 2015. Collection method: clinical testing. Allele origin: germline.

Labcorp Genetics (formerly Invitae), Labcorp
Classification: Likely benign. Last evaluated: 2024-10-08. Review status: criteria provided, single submitter. Criteria: Invitae Variant Classification Sherloc (09022015). Collection method: clinical testing. Allele origin: germline.

GeneDx
Classification: Uncertain significance. Last evaluated: 2020-06-22. Review status: criteria provided, single submitter. Criteria: GeneDx Variant Classification Process June 2021. Collection method: clinical testing. Allele origin: germline. Affected: yes.
Comment: In silico analysis supports that this missense variant does not alter protein structure/function; Has not been previously published as pathogenic or benign to our knowledge

Illumina Laboratory Services, Illumina
Classification: Uncertain significance for 3M syndrome 2. Last evaluated: 2018-01-12. Review status: criteria provided, single submitter. Criteria: ICSL Variant Classification Criteria 13 December 2019. Collection method: clinical testing. Allele origin: germline.